The following is an entry in ClinVar:

NM_170606.3(KMT2C):c.8893T>A (p.Leu2965Met)

Gene: KMT2C (lysine methyltransferase 2C; minus strand). Cytogenetic location: 7q36.1.
Variant type: single nucleotide variant.
Coding change: c.8893T>A on transcript NM_170606.3 (MANE Select); coding-DNA position 8893, T replaced by A.
Protein change: p.Leu2965Met; replaces leucine 2965 with methionine.
Molecular consequence: missense variant.
Genome position (GRCh38, 1-based): chr7:152,176,560, A>T on the plus strand (T>A on the coding strand, the complement: KMT2C is on the minus strand). VCF-style: chr7-152176560-A-T. GRCh37 (hg19) VCF-style: chr7-151873645-A-T.
Other names: short protein forms L2965M.
Identifiers: ClinVar variation 5007182 (VCV005007182.2).

ClinVar aggregate classification (germline): Uncertain significance (1 of 4 stars; one submission).

Conditions:
Kleefstra syndrome 2 (KLEFS2). Identifiers: MedGen C4540395, MONDO:0054701, OMIM 617768.

Submission:

Juno Genomics, Hangzhou Juno Genomics, Inc
Classification: Uncertain significance for Kleefstra syndrome 2. Review status: criteria provided, single submitter. Criteria: ACMG Guidelines, 2015. Collection method: clinical testing. Allele origin: germline.
Comment: Absent from controls (or at extremely low frequency if recessive) in Genome Aggregation Database.;Missense variant in a gene that has a low rate of benign missense variation.